The following is an entry in ClinVar:

NM_207361.6(FREM2):c.4415C>T (p.Thr1472Met)

Gene: FREM2 (FRAS1 related extracellular matrix 2; plus strand). Cytogenetic location: 13q13.3.
Variant type: single nucleotide variant.
Coding change: c.4415C>T on transcript NM_207361.6 (MANE Select); coding-DNA position 4415, C replaced by T.
Protein change: p.Thr1472Met; replaces threonine 1472 with methionine.
Molecular consequence: missense variant.
Genome position (GRCh38, 1-based): chr13:38,691,759, C>T. VCF-style: chr13-38691759-C-T. GRCh37 (hg19) VCF-style: chr13-39265896-C-T.
Other names: short protein forms T1472M.
Identifiers: ClinVar variation 1463557 (VCV001463557.3), dbSNP rs141478658, ClinGen allele CA6954983.

ClinVar aggregate classification (germline): Uncertain significance (1 of 4 stars; one submission).

Allele frequency attached by ClinVar (database versions not stated): gnomAD exomes 0.00001 and 0.00002; gnomAD 0.00002 and 0.00003; ExAC 0.00003; ESP Exome Variant Server 0.00015.
gnomAD v4.1: 18 of 1,613,966 alleles (0.0011%); highest among the groups gnomAD compares: East Asian, 0.016%; no homozygotes.

Submission:

Labcorp Genetics (formerly Invitae), Labcorp
Classification: Uncertain significance. Last evaluated: 2021-09-15. Review status: criteria provided, single submitter. Criteria: Invitae Variant Classification Sherloc (09022015). Collection method: clinical testing. Allele origin: germline.
Comment: This sequence change replaces threonine with methionine at codon 1472 of the FREM2 protein (p.Thr1472Met). The threonine residue is highly conserved and there is a moderate physicochemical difference between threonine and methionine. This variant is present in population databases (rs141478658, ExAC 0.04%). This variant has not been reported in the literature in individuals affected with FREM2-related conditions. Algorithms developed to predict the effect of missense changes on protein structure and function are either unavailable or do not agree on the potential impact of this missense change (SIFT: "Deleterious"; PolyPhen-2: "Possibly Damaging"; Align-GVGD: "Class C0"). In summary, the available evidence is currently insufficient to determine the role of this variant in disease. Therefore, it has been classified as a Variant of Uncertain Significance.